The following is an entry in ClinVar:

NM_000891.3(KCNJ2):c.1217T>C (p.Ile406Thr)

Gene: KCNJ2 (potassium inwardly rectifying channel subfamily J member 2; plus strand). Cytogenetic location: 17q24.3.
Variant type: single nucleotide variant.
Coding change: c.1217T>C on transcript NM_000891.3 (MANE Select); coding-DNA position 1217, T replaced by C.
Protein change: p.Ile406Thr; replaces isoleucine 406 with threonine.
Molecular consequence: missense variant.
Genome position (GRCh38, 1-based): chr17:70,176,256, T>C. VCF-style: chr17-70176256-T-C. GRCh37 (hg19) VCF-style: chr17-68172397-T-C.
Other names: short protein forms I406T.
Identifiers: ClinVar variation 191475 (VCV000191475.1), dbSNP rs202149686, ClinGen allele CA236762.

ClinVar aggregate classification (germline): Uncertain significance (1 of 4 stars; one submission).

Submission:

Biesecker Lab/Clinical Genomics Section, National Institutes of Health
Classification: Uncertain significance. Last evaluated: 2013-06-24. Review status: criteria provided, single submitter. Criteria: Ng et al. (Circ Cardiovasc Genet. 2013). Collection method: research. Allele origin: unknown. Observed: 1 variant allele. Study: ClinSeq.
Comment: The study set was not selected for affection status in relation to any cancer. Pathogenicity categories were based on literature curation. See Pubmed ID:23861362 for details.

Medical sequencing